The following is an entry in ClinVar:

ClinVar aggregate classification (germline): Uncertain significance (1 of 4 stars; one submission).

Conditions:
SLC4A11-related disorder. Also called: SLC4A11-related condition.

Submission:

PreventionGenetics, part of Exact Sciences
Classification: Uncertain significance for SLC4A11-related condition. Last evaluated: 2025-11-07. Review status: criteria provided, single submitter. Criteria: ACMG Guidelines, 2015. Collection method: clinical testing. Allele origin: germline.
Comment: The SLC4A11 c.1633_1644del12 variant is predicted to result in an in-frame deletion (p.Asn545_Leu548del). To our knowledge, this variant has not been reported in the literature. This variant is reported in 0.016% of alleles in individuals of East Asian descent in gnomAD. At this time, the clinical significance of this variant is uncertain due to the absence of conclusive functional and genetic evidence.

NM_001174089.2(SLC4A11):c.1585_1596del (p.Asn529_Leu532del)

Gene: SLC4A11 (solute carrier family 4 member 11; minus strand). Cytogenetic location: 20p13.
Variant type: Deletion.
Coding change: c.1585_1596del on transcript NM_001174089.2 (MANE Select); coding-DNA positions 1585 to 1596, 12 bases deleted (AACGCCAGCCTC).
Protein change: p.Asn529_Leu532del.
Molecular consequence: inframe deletion. On other transcripts: non-coding transcript variant (3).
Genome position (GRCh38, 1-based): chr20:3,229,670-3,229,681, GAGGCTGGCGTT deleted on the plus strand (AACGCCAGCCTC on the coding strand, the reverse complement: SLC4A11 is on the minus strand); deleting any 12 consecutive bases within chr20:3,229,670-3,229,691 gives the same sequence; the c. name uses the placement nearest the transcript's 3' end. VCF-style (leftmost placement, unchanged base first): chr20-3229669-GGAGGCTGGCGTT-G. GRCh37 (hg19) VCF-style: chr20-3210315-GGAGGCTGGCGTT-G.
Other names: c.1714_1725del, p.Asn572_Leu575del (NM_001174090.2); c.1471_1482del, p.Asn491_Leu494del (NM_001363745.2); c.1528_1539del, p.Asn510_Leu513del (NM_001400277.1, NM_001400278.1, NM_001400279.1); c.1600_1611del, p.Asn534_Leu537del (NM_001400280.1); c.1633_1644del, p.Asn545_Leu548del (NM_032034.4).
Identifiers: ClinVar variation 4980922 (VCV004980922.1).